The following is an entry in ClinVar:

ClinVar aggregate classification (germline): Uncertain significance (1 of 4 stars; one submission).

gnomAD v4.1: 2 of 1,546,120 alleles (0.00013%); highest among the groups gnomAD compares: Non-Finnish European, 0.00017%; no homozygotes.

Submission:

Labcorp Genetics (formerly Invitae), Labcorp
Classification: Uncertain significance. Last evaluated: 2024-10-10. Review status: criteria provided, single submitter. Criteria: Invitae Variant Classification Sherloc (09022015). Collection method: clinical testing. Allele origin: germline.
Comment: This sequence change replaces proline, which is neutral and non-polar, with serine, which is neutral and polar, at codon 14 of the PDE3A protein (p.Pro14Ser). This variant is not present in population databases (gnomAD no frequency). This variant has not been reported in the literature in individuals affected with PDE3A-related conditions. An algorithm developed to predict the effect of missense changes on protein structure and function (PolyPhen-2) suggests that this variant is likely to be tolerated. In summary, the available evidence is currently insufficient to determine the role of this variant in disease. Therefore, it has been classified as a Variant of Uncertain Significance.

NM_000921.5(PDE3A):c.40C>T (p.Pro14Ser)

Genes: PDE3A (phosphodiesterase 3A; plus strand), PDE3A-AS1 (PDE3A antisense RNA 1; minus strand). Cytogenetic location: 12p12.2.
Variant type: single nucleotide variant.
Coding change: c.40C>T on transcript NM_000921.5 (MANE Select); coding-DNA position 40, C replaced by T.
Protein change: p.Pro14Ser; replaces proline 14 with serine.
Molecular consequence: missense variant. On other transcripts: 5 prime UTR variant (1).
Genome position (GRCh38, 1-based): chr12:20,369,324, C>T. VCF-style: chr12-20369324-C-T. GRCh37 (hg19) VCF-style: chr12-20522258-C-T.
Other names: c.40C>T, p.Pro14Ser (NM_001378407.1); c.-989C>T (NM_001378408.1); short protein forms P14S.
Identifiers: ClinVar variation 3663409 (VCV003663409.2).